The following is an entry in ClinVar:

ClinVar aggregate classification (germline): Pathogenic (1 of 4 stars; one submission).

Conditions:
Spastic paraplegia. Identifiers: MedGen C0037772, HP:0001258.

Submission:

Labcorp Genetics (formerly Invitae), Labcorp
Classification: Pathogenic for Spastic paraplegia. Last evaluated: 2023-12-20. Review status: criteria provided, single submitter. Criteria: Invitae Variant Classification Sherloc (09022015). Collection method: clinical testing. Allele origin: germline.
Comment: This sequence change creates a premature translational stop signal (p.Ala1373*) in the SACS gene. While this is not anticipated to result in nonsense mediated decay, it is expected to disrupt the last 3207 amino acid(s) of the SACS protein. Information on the frequency of this variant in the gnomAD database is not available, as this variant may be reported differently in the database. This variant has not been reported in the literature in individuals affected with SACS-related conditions. ClinVar contains an entry for this variant (Variation ID: 1457101). This variant disrupts a region of the SACS protein in which other variant(s) (p.Tyr4538*) have been determined to be pathogenic (Invitae). This suggests that this is a clinically significant region of the protein, and that variants that disrupt it are likely to be disease-causing. For these reasons, this variant has been classified as Pathogenic.

NM_014363.6(SACS):c.4117_4118delinsTA (p.Ala1373Ter)

Gene: SACS (sacsin molecular chaperone; minus strand). Cytogenetic location: 13q12.12.
Variant type: Indel.
Coding change: c.4117_4118delinsTA on transcript NM_014363.6 (MANE Select); coding-DNA positions 4117 to 4118, GC replaced by TA.
Protein change: p.Ala1373Ter; replaces alanine 1373 with a stop codon.
Molecular consequence: nonsense.
Genome position (GRCh38, 1-based): chr13:23,339,758-23,339,759, GC replaced by TA on the plus strand (GC replaced by TA on the coding strand, the reverse complement: SACS is on the minus strand). VCF-style: chr13-23339758-GC-TA. GRCh37 (hg19) VCF-style: chr13-23913897-GC-TA.
Other names: c.3676_3677delinsTA, p.Ala1226Ter (NM_001278055.2); short protein forms A1226*, A1373*.
Identifiers: ClinVar variation 1457101 (VCV001457101.8), dbSNP rs797045938, ClinGen allele CA2573149109.